The following is an entry in ClinVar:

ClinVar aggregate classification (germline): Uncertain significance (1 of 4 stars; one submission).

Allele frequency attached by ClinVar (database versions not stated): gnomAD 0.00001; gnomAD exomes 0.00001; TOPMed 0.00001; ExAC 0.00002.
gnomAD v4.1: 6 of 1,613,204 alleles (0.00037%); highest among the groups gnomAD compares: East Asian, 0.013%; no homozygotes.

Submission:

Labcorp Genetics (formerly Invitae), Labcorp
Classification: Uncertain significance. Last evaluated: 2022-04-24. Review status: criteria provided, single submitter. Criteria: Invitae Variant Classification Sherloc (09022015). Collection method: clinical testing. Allele origin: germline.
Comment: In summary, the available evidence is currently insufficient to determine the role of this variant in disease. Therefore, it has been classified as a Variant of Uncertain Significance. Advanced modeling of protein sequence and biophysical properties (such as structural, functional, and spatial information, amino acid conservation, physicochemical variation, residue mobility, and thermodynamic stability) performed at Invitae indicates that this missense variant is expected to disrupt CLCNKB protein function. This variant has not been reported in the literature in individuals affected with CLCNKB-related conditions. This variant is present in population databases (rs775075261, gnomAD 0.04%). This sequence change replaces phenylalanine, which is neutral and non-polar, with valine, which is neutral and non-polar, at codon 489 of the CLCNKB protein (p.Phe489Val).

NM_000085.5(CLCNKB):c.1465T>G (p.Phe489Val)

Genes: CLCNKB (chloride voltage-gated channel Kb; plus strand), LOC106501713 (CLCNKB recombination region; plus strand). Cytogenetic location: 1p36.13.
Variant type: single nucleotide variant.
Coding change: c.1465T>G on transcript NM_000085.5 (MANE Select); coding-DNA position 1465, T replaced by G.
Protein change: p.Phe489Val; replaces phenylalanine 489 with valine.
Molecular consequence: missense variant.
Genome position (GRCh38, 1-based): chr1:16,052,254, T>G. VCF-style: chr1-16052254-T-G. GRCh37 (hg19) VCF-style: chr1-16378749-T-G.
Other names: c.958T>G, p.Phe320Val (NM_001165945.2); short protein forms F489V, F320V.
Identifiers: ClinVar variation 1921936 (VCV001921936.5), dbSNP rs775075261, ClinGen allele CA623885.